The following is an entry in ClinVar:

ClinVar aggregate classification (germline): Uncertain significance (1 of 4 stars; one submission).

Allele frequency attached by ClinVar (database versions not stated): gnomAD exomes below 0.00001.
gnomAD v4.1: 1 of 1,613,878 alleles (0.000062%); highest among the groups gnomAD compares: Non-Finnish European, 0.000085%; no homozygotes.

Submission:

Labcorp Genetics (formerly Invitae), Labcorp
Classification: Uncertain significance. Last evaluated: 2023-08-02. Review status: criteria provided, single submitter. Criteria: Invitae Variant Classification Sherloc (09022015). Collection method: clinical testing. Allele origin: germline.
Comment: In summary, the available evidence is currently insufficient to determine the role of this variant in disease. Therefore, it has been classified as a Variant of Uncertain Significance. Algorithms developed to predict the effect of sequence changes on RNA splicing suggest that this variant is not likely to affect RNA splicing. Experimental studies and prediction algorithms are not available or were not evaluated, and the functional significance of this variant is currently unknown. This variant has not been reported in the literature in individuals affected with TCF3-related conditions. This variant is not present in population databases (gnomAD no frequency). This sequence change replaces methionine, which is neutral and non-polar, with valine, which is neutral and non-polar, at codon 572 of the TCF3 protein (p.Met572Val). The TCF3 gene has multiple clinically relevant transcripts. This variant occurs in alternate transcript NM_001136139.3, and corresponds to NM_003200.4:c.1823-457A>G in the primary transcript.

NM_001136139.4(TCF3):c.1714A>G (p.Met572Val)

Gene: TCF3 (transcription factor 3; minus strand). Cytogenetic location: 19p13.3.
Variant type: single nucleotide variant.
Coding change: c.1714A>G on transcript NM_001136139.4 (MANE Plus Clinical); coding-DNA position 1714, A replaced by G.
Protein change: p.Met572Val; replaces methionine 572 with valine.
Molecular consequence: missense variant. On other transcripts: intron variant (2).
Genome position (GRCh38, 1-based): chr19:1,612,306, T>C on the plus strand (A>G on the coding strand, the complement: TCF3 is on the minus strand). VCF-style: chr19-1612306-T-C. GRCh37 (hg19) VCF-style: chr19-1612305-T-C.
Other names: c.1714A>G, p.Met572Val (NM_001351779.2); c.1820-457A>G (NM_001351778.2); c.1823-457A>G (NM_003200.5); short protein forms M572V.
Identifiers: ClinVar variation 2749509 (VCV002749509.3), dbSNP rs2513132471, ClinGen allele CA403048672.
Genomic context (GRCh38, chr19:1,612,306, plus strand): 5'-CCTGCTGCAGGATGAGCAGCTTGGTCTGCGCTTTGTCCGACTTGAGGTGCATCTGGCACA[T>C]GCGCCCCAGCTCCCGGAAGGCCTCGTTAATATCCCGCACGCGCACCCGCTCCCGCGCGTT-3'
Protein context (NP_001129611.1, residues 562-582): INEAFRELGR[Met572Val]CQMHLKSDKA